The following is an entry in ClinVar:

ClinVar aggregate classification (germline): Conflicting classifications of pathogenicity. Review status: criteria provided, conflicting classifications (1 of 4 stars). 10 submissions from 10 submitters: Uncertain significance (9); Likely benign (1). Last evaluated 2026-09-09.

Conditions:
Inborn genetic diseases. Identifiers: MedGen C0950123, MeSH D030342.
Charcot-Marie-Tooth disease. Also called: Charcot-Marie-Tooth Neuropathy; Charcot-Marie-Tooth Hereditary Neuropathy. Identifiers: Orphanet 166, MedGen C0007959, MONDO:0015626.
Charcot-Marie-Tooth disease type 4. Also called: Charcot-Marie-Tooth disease, type IV; Charcot-Marie-Tooth, Type 4. Identifiers: Orphanet 64749, MedGen C4082197, MONDO:0018995.
Charcot-Marie-Tooth disease type 4B2. Also called: CHARCOT-MARIE-TOOTH DISEASE, DEMYELINATING, TYPE 4B2; CHARCOT-MARIE-TOOTH DISEASE, WITH FOCALLY FOLDED MYELIN SHEATHS, AUTOSOMAL RECESSIVE, TYPE 4B2; Charcot-Marie-Tooth Neuropathy Type 4B2; CMT 4B2. Identifiers: Orphanet 99956, MedGen C1858278, MONDO:0011475, OMIM 604563.
SBF2-related disorder. Also called: SBF2-related condition.

Allele frequency attached by ClinVar (database versions not stated): 1000 Genomes Project 30x 0.00016; ExAC 0.00016; gnomAD exomes 0.00016 and 0.00018; 1000 Genomes Project 0.00020; gnomAD 0.00029; TOPMed 0.00060.
gnomAD v4.1: 303 of 1,614,062 alleles (0.019%); highest among the groups gnomAD compares: Admixed American, 0.078%; no homozygotes.

Submissions (10):

PreventionGenetics, part of Exact Sciences
Classification: Uncertain significance for SBF2-related condition. Last evaluated: 2026-09-09. Review status: criteria provided, single submitter. Criteria: ACMG Guidelines, 2015. Collection method: clinical testing. Allele origin: germline.
Comment: The SBF2 c.1519G>A variant is predicted to result in the amino acid substitution p.Glu507Lys. This variant has been reported in two individuals with Charcot-Marie-Tooth disease (Supplementary table 2, Volodarsky et al. 2021. PubMed ID: 32376792). This variant is reported in 0.031% of alleles in individuals of Latino descent in gnomAD. At this time, the clinical significance of this variant is uncertain due to the absence of conclusive functional and genetic evidence.

CeGaT Center for Human Genetics Tuebingen
Classification: Uncertain significance. Last evaluated: 2026-06-01. Review status: criteria provided, single submitter. Criteria: CeGaT Center For Human Genetics Tuebingen Variant Classification Criteria Version 2. Collection method: clinical testing. Allele origin: germline. Affected: yes. Observed: 1 variant allele.
Comment: SBF2: PM2

Women's Health and Genetics/Laboratory Corporation of America, LabCorp
Classification: Uncertain significance. Last evaluated: 2025-03-10. Review status: criteria provided, single submitter. Criteria: LabCorp Variant Classification Summary - May 2015. Collection method: clinical testing. Allele origin: germline.
Comment: Variant summary: SBF2 c.1519G>A (p.Glu507Lys) results in a conservative amino acid change in the encoded protein sequence. Three of five in-silico tools predict a benign effect of the variant on protein function. The variant allele was found at a frequency of 0.00016 in 251478 control chromosomes. This frequency is not significantly higher than estimated for a pathogenic variant in SBF2 causing Charcot-Marie-Tooth disease type 4B2, allowing no conclusion about variant significance. c.1519G>A has been reported in the literature in individuals with clinical features of Charcot-Marie-Tooth disease without reported genotype (e.g. Volodarsky_2020). These report(s) do not provide unequivocal conclusions about association of the variant with Charcot-Marie-Tooth disease type 4B2. To our knowledge, no experimental evidence demonstrating an impact on protein function has been reported. The following publication have been ascertained in the context of this evaluation (PMID: 32376792). ClinVar contains an entry for this variant (Variation ID: 306606). Based on the evidence outlined above, the variant was classified as uncertain significance.

Labcorp Genetics (formerly Invitae), Labcorp
Classification: Uncertain significance for Charcot-Marie-Tooth disease type 4. Last evaluated: 2024-12-03. Review status: criteria provided, single submitter. Criteria: Invitae Variant Classification Sherloc (09022015). Collection method: clinical testing. Allele origin: germline.
Comment: This sequence change replaces glutamic acid, which is acidic and polar, with lysine, which is basic and polar, at codon 507 of the SBF2 protein (p.Glu507Lys). This variant is present in population databases (rs139217120, gnomAD 0.03%). This missense change has been observed in individual(s) with clinical features of Charcot-Marie-Tooth disease (PMID: 32376792). ClinVar contains an entry for this variant (Variation ID: 306606). Invitae Evidence Modeling of protein sequence and biophysical properties (such as structural, functional, and spatial information, amino acid conservation, physicochemical variation, residue mobility, and thermodynamic stability) indicates that this missense variant is not expected to disrupt SBF2 protein function with a negative predictive value of 80%. In summary, the available evidence is currently insufficient to determine the role of this variant in disease. Therefore, it has been classified as a Variant of Uncertain Significance.

Fulgent Genetics
Classification: Uncertain significance for Charcot-Marie-Tooth disease type 4B2. Last evaluated: 2023-12-29. Review status: criteria provided, single submitter. Criteria: ACMG Guidelines, 2015. Collection method: clinical testing. Allele origin: germline.

Athena Diagnostics
Classification: Likely benign. Last evaluated: 2023-11-29. Review status: criteria provided, single submitter. Criteria: Athena Diagnostics Criteria. Collection method: clinical testing. Allele origin: unknown.

Revvity Omics, Revvity
Classification: Uncertain significance for Charcot-Marie-Tooth disease type 4B2. Last evaluated: 2020-08-12. Review status: criteria provided, single submitter. Criteria: ACMG Guidelines, 2015. Collection method: clinical testing. Allele origin: germline.

Ambry Genetics
Classification: Uncertain significance for Inborn genetic diseases. Last evaluated: 2019-09-27. Review status: criteria provided, single submitter. Criteria: Ambry Variant Classification Scheme 2023. Collection method: clinical testing. Allele origin: germline.
Comment: The p.E507K variant (also known as c.1519G>A), located in coding exon 14 of the SBF2 gene, results from a G to A substitution at nucleotide position 1519. The glutamic acid at codon 507 is replaced by lysine, an amino acid with similar properties. This amino acid position is highly conserved in available vertebrate species. In addition, the in silico prediction for this alteration is inconclusive. Since supporting evidence is limited at this time, the clinical significance of this alteration remains unclear.

Illumina Laboratory Services, Illumina
Classification: Uncertain significance for Charcot-Marie-Tooth disease type 4B2. Last evaluated: 2018-01-13. Review status: criteria provided, single submitter. Criteria: ICSL Variant Classification Criteria 13 December 2019. Collection method: clinical testing. Allele origin: germline.

Molecular Genetics Laboratory, London Health Sciences Centre
Classification: Uncertain significance for Charcot-Marie-Tooth disease. Review status: criteria provided, single submitter. Criteria: ACMG Guidelines, 2015. Collection method: clinical testing. Allele origin: germline. Affected: yes.

Literature cited by the submitters: PubMed 32376792 (cited by 3 submitters).

NM_030962.4(SBF2):c.1519G>A (p.Glu507Lys)

Gene: SBF2 (SET binding factor 2; minus strand). Cytogenetic location: 11p15.4.
Variant type: single nucleotide variant.
Coding change: c.1519G>A on transcript NM_030962.4 (MANE Select); coding-DNA position 1519, G replaced by A.
Protein change: p.Glu507Lys; replaces glutamic acid 507 with lysine.
Molecular consequence: missense variant.
Genome position (GRCh38, 1-based): chr11:9,968,422, C>T on the plus strand (G>A on the coding strand, the complement: SBF2 is on the minus strand). VCF-style: chr11-9968422-C-T. GRCh37 (hg19) VCF-style: chr11-9989969-C-T.
Other names: c.1519G>A, p.Glu507Lys (NM_001386339.1); c.1390G>A, p.Glu464Lys (NM_001386342.1); short protein forms E507K, E464K.
Identifiers: ClinVar variation 306606 (VCV000306606.22), dbSNP rs139217120, ClinGen allele CA5881810.